The following is an entry in ClinVar:

ClinVar aggregate classification (germline): Pathogenic. Review status: criteria provided, multiple submitters, no conflicts (2 of 4 stars). 2 submissions from 2 submitters: Pathogenic (2). Last evaluated 2023-08-24.

Conditions:
Hereditary cancer-predisposing syndrome. Also called: Neoplastic Syndromes, Hereditary; Tumor predisposition; Hereditary Cancer Syndrome; Hereditary neoplastic syndrome. Identifiers: Orphanet 140162, MedGen C0027672, MeSH D009386, MONDO:0015356.
Lynch syndrome 5 (LYNCH5). Also called: Hereditary non-polyposis colorectal cancer, type 5; Colorectal cancer, hereditary nonpolyposis, type 5. Identifiers: Orphanet 144, MedGen C1833477, MONDO:0013710, OMIM 614350. Disease mechanism: loss of function.

Submissions (2):

Myriad Genetics, Inc.
Classification: Pathogenic for Lynch syndrome 5. Last evaluated: 2023-08-24. Review status: criteria provided, single submitter. Criteria: Myriad Autosomal Dominant, Autosomal Recessive and X-Linked Classification Criteria (2023). Collection method: clinical testing. Allele origin: unknown.
Comment: This variant is considered pathogenic. This variant creates a frameshift predicted to result in premature protein truncation.

Ambry Genetics
Classification: Pathogenic for Hereditary cancer-predisposing syndrome. Last evaluated: 2020-05-11. Review status: criteria provided, single submitter. Criteria: Ambry Variant Classification Scheme 2023. Collection method: clinical testing. Allele origin: germline.
Comment: The c.3487delG pathogenic mutation, located in coding exon 6 of the MSH6 gene, results from a deletion of one nucleotide at nucleotide position 3487, causing a translational frameshift with a predicted alternate stop codon (p.E1163Kfs*21). This alteration is expected to result in loss of function by premature protein truncation or nonsense-mediated mRNA decay. As such, this alteration is interpreted as a disease-causing mutation.

NM_000179.3(MSH6):c.3487del (p.Glu1163fs)

Gene: MSH6 (mutS homolog 6; plus strand). Cytogenetic location: 2p16.3.
Variant type: Deletion.
Coding change: c.3487del on transcript NM_000179.3 (MANE Select); coding-DNA position 3487, one base deleted (G; older notation c.3487delG).
Protein change: p.Glu1163fs; shifts the reading frame from glutamic acid 1163.
Molecular consequence: frameshift variant.
Genome position (GRCh38, 1-based): chr2:47,804,958, G deleted. VCF-style (leftmost placement, unchanged base first): chr2-47804957-TG-T. GRCh37 (hg19) VCF-style: chr2-48032096-TG-T.
Other names: c.3097del, p.Glu1033fs (NM_001281492.2); c.2581del, p.Glu861fs (NM_001281493.2, NM_001281494.2); c.3583delG, p.Glu1195Lysfs (NM_001406795.1, NM_001406802.1); c.3487delG, p.Glu1163Lysfs (NM_001406796.1, NM_001406800.1, NM_001406808.1 and 1 more transcripts); c.3190delG, p.Glu1064Lysfs (NM_001406797.1, NM_001406801.1, NM_001406805.1 and 10 more transcripts); c.3313delG, p.Glu1105Lysfs (NM_001406798.1); c.2962delG, p.Glu988Lysfs (NM_001406799.1, NM_001406806.1, NM_001406807.1); c.2623delG, p.Glu875Lysfs (NM_001406803.1); and 8 more; short protein forms E1033fs, E861fs, E1163fs.
Identifiers: ClinVar variation 1731882 (VCV001731882.3), dbSNP rs2530801524, ClinGen allele CA2580067160.
Genomic context (GRCh38, chr2:47,804,957, plus strand): 5'-CCCTCATTCACAGGCTGGCTTATTAGCTGTAATGGCCCAGATGGGTTGTTACGTCCCTGC[TG>T]AAGTGTGCAGGCTCACACCAATTGATAGAGTGTTTACTAGACTTGGTGCCTCAGACAGAA-3'